The following is an entry in ClinVar:

NM_004793.4(LONP1):c.353C>G (p.Pro118Arg)

Genes: LONP1 (lon peptidase 1, mitochondrial; minus strand), LOC130063270 (ATAC-STARR-seq lymphoblastoid silent region 9931; plus strand). Cytogenetic location: 19p13.3.
Variant type: single nucleotide variant.
Coding change: c.353C>G on transcript NM_004793.4 (MANE Select); coding-DNA position 353, C replaced by G.
Protein change: p.Pro118Arg; replaces proline 118 with arginine.
Molecular consequence: missense variant. On other transcripts: non-coding transcript variant (1), intron variant (1).
Genome position (GRCh38, 1-based): chr19:5,719,780, G>C on the plus strand (C>G on the coding strand, the complement: LONP1 is on the minus strand). VCF-style: chr19-5719780-G-C. GRCh37 (hg19) VCF-style: chr19-5719791-G-C.
Other names: c.161C>G, p.Pro54Arg (NM_001276479.2); c.-160+439C>G (NM_001276480.1); short protein forms P118R, P54R.
Identifiers: ClinVar variation 1423913 (VCV001423913.6), dbSNP rs1219655154, ClinGen allele CA403543487.
Genomic context (GRCh38, chr19:5,719,780, plus strand): 5'-AAGCGCGGGAACACCGGGTTGCGGGTGATGGCGATGAGCGGCAGGTGCGGAAACACATCG[G>C]GGATCGTCATGGGCGTGAGCGCCGTTATGACCGGGCCTTCCCCGGCGCCCGCGCTGCCCC-3'
Protein context (NP_004784.2, residues 108-128): VITALTPMTI[Pro118Arg]DVFPHLPLIA

ClinVar aggregate classification (germline): Uncertain significance (1 of 4 stars; one submission).

Allele frequency attached by ClinVar (database versions not stated): gnomAD exomes below 0.00001.
gnomAD v4.1: 1 of 1,613,362 alleles (0.000062%); highest among the groups gnomAD compares: South Asian, 0.0011%; no homozygotes.

Submission:

Labcorp Genetics (formerly Invitae), Labcorp
Classification: Uncertain significance. Last evaluated: 2021-12-17. Review status: criteria provided, single submitter. Criteria: Invitae Variant Classification Sherloc (09022015). Collection method: clinical testing. Allele origin: germline.
Comment: This sequence change replaces proline, which is neutral and non-polar, with arginine, which is basic and polar, at codon 118 of the LONP1 protein (p.Pro118Arg). This variant is present in population databases (no rsID available, gnomAD 0.003%). This variant has not been reported in the literature in individuals affected with LONP1-related conditions. Algorithms developed to predict the effect of missense changes on protein structure and function are either unavailable or do not agree on the potential impact of this missense change (SIFT: "Deleterious"; PolyPhen-2: "Probably Damaging"; Align-GVGD: "Class C0"). In summary, the available evidence is currently insufficient to determine the role of this variant in disease. Therefore, it has been classified as a Variant of Uncertain Significance.